The following is an entry in ClinVar:

ClinVar aggregate classification (germline): Uncertain significance (1 of 4 stars; one submission).

Submission:

Labcorp Genetics (formerly Invitae), Labcorp
Classification: Uncertain significance. Last evaluated: 2022-08-05. Review status: criteria provided, single submitter. Criteria: Invitae Variant Classification Sherloc (09022015). Collection method: clinical testing. Allele origin: germline.
Comment: In summary, the available evidence is currently insufficient to determine the role of this variant in disease. Therefore, it has been classified as a Variant of Uncertain Significance. Algorithms developed to predict the effect of missense changes on protein structure and function are either unavailable or do not agree on the potential impact of this missense change (SIFT: "Tolerated"; PolyPhen-2: "Possibly Damaging"; Align-GVGD: "Class C0"). This variant has not been reported in the literature in individuals affected with SLC25A1-related conditions. This variant is not present in population databases (gnomAD no frequency). This sequence change replaces histidine, which is basic and polar, with tyrosine, which is neutral and polar, at codon 24 of the SLC25A1 protein (p.His24Tyr).

NM_005984.5(SLC25A1):c.70C>T (p.His24Tyr)

Gene: SLC25A1 (solute carrier family 25 member 1; minus strand). Cytogenetic location: 22q11.21.
Variant type: single nucleotide variant.
Coding change: c.70C>T on transcript NM_005984.5 (MANE Select); coding-DNA position 70, C replaced by T.
Protein change: p.His24Tyr; replaces histidine 24 with tyrosine.
Molecular consequence: missense variant. On other transcripts: non-coding transcript variant (1).
Genome position (GRCh38, 1-based): chr22:19,178,604, G>A on the plus strand (C>T on the coding strand, the complement: SLC25A1 is on the minus strand). VCF-style: chr22-19178604-G-A. GRCh37 (hg19) VCF-style: chr22-19166117-G-A.
Other names: short protein forms H24Y.
Identifiers: ClinVar variation 2153022 (VCV002153022.4), dbSNP rs2517261320, ClinGen allele CA410644182.